The following is an entry in ClinVar:

NM_001556.3(IKBKB):c.905C>T (p.Ala302Val)

Gene: IKBKB (inhibitor of nuclear factor kappa B kinase subunit beta; plus strand). Cytogenetic location: 8p11.21.
Variant type: single nucleotide variant.
Coding change: c.905C>T on transcript NM_001556.3 (MANE Select); coding-DNA position 905, C replaced by T.
Protein change: p.Ala302Val; replaces alanine 302 with valine.
Molecular consequence: missense variant. On other transcripts: non-coding transcript variant (3).
Genome position (GRCh38, 1-based): chr8:42,316,314, C>T. VCF-style: chr8-42316314-C-T. GRCh37 (hg19) VCF-style: chr8-42173832-C-T.
Other names: c.713C>T, p.Ala238Val (NM_001190720.3); c.728C>T, p.Ala243Val (NM_001242778.2); short protein forms A243V, A302V, A238V.
Identifiers: ClinVar variation 3699687 (VCV003699687.2).

ClinVar aggregate classification (germline): Uncertain significance (1 of 4 stars; one submission).

Conditions:
Severe combined immunodeficiency due to IKK2 deficiency. Also called: IMMUNODEFICIENCY 15B; Immunodeficiency 15. Identifiers: Orphanet 397787, MedGen C4747743, MONDO:0014267, OMIM 615592.

gnomAD v4.1: 5 of 1,614,092 alleles (0.00031%); highest among the groups gnomAD compares: East Asian, 0.011%; no homozygotes.

Submission:

Labcorp Genetics (formerly Invitae), Labcorp
Classification: Uncertain significance for Severe combined immunodeficiency due to IKK2 deficiency. Last evaluated: 2024-07-01. Review status: criteria provided, single submitter. Criteria: Invitae Variant Classification Sherloc (09022015). Collection method: clinical testing. Allele origin: germline.
Comment: This sequence change replaces alanine, which is neutral and non-polar, with valine, which is neutral and non-polar, at codon 302 of the IKBKB protein (p.Ala302Val). This variant is not present in population databases (gnomAD no frequency). This variant has not been reported in the literature in individuals affected with IKBKB-related conditions. Advanced modeling of protein sequence and biophysical properties (such as structural, functional, and spatial information, amino acid conservation, physicochemical variation, residue mobility, and thermodynamic stability) performed at Invitae indicates that this missense variant is not expected to disrupt IKBKB protein function with a negative predictive value of 95%. In summary, the available evidence is currently insufficient to determine the role of this variant in disease. Therefore, it has been classified as a Variant of Uncertain Significance.